The following is an entry in ClinVar:

ClinVar aggregate classification (germline): Benign/Likely benign. Review status: criteria provided, multiple submitters, no conflicts (2 of 4 stars). 3 submissions from 3 submitters: Benign (1); Likely benign (1). 1 of the submissions does not count toward it. Last evaluated 2025-03-31.

Conditions:
SLC25A24-related disorder. Also called: SLC25A24-related condition.
Inborn genetic diseases. Identifiers: MedGen C0950123, MeSH D030342.

Allele frequency attached by ClinVar (database versions not stated): gnomAD 0.00010; ESP Exome Variant Server 0.00015; ExAC 0.00014; 1000 Genomes Project 30x 0.00031; gnomAD exomes 0.00005; TOPMed 0.00007; 1000 Genomes Project 0.00040.
gnomAD v4.1: 94 of 1,598,476 alleles (0.0059%); highest among the groups gnomAD compares: Admixed American, 0.0085%; no homozygotes.

Submissions (3):

Ambry Genetics
Classification: Likely benign for Inborn genetic diseases. Last evaluated: 2025-03-31. Review status: criteria provided, single submitter. Criteria: Ambry Variant Classification Scheme 2023. Collection method: clinical testing. Allele origin: germline.

Laboratory of Genetics, Children's Clinical University Hospital Latvia
Classification: Benign. Last evaluated: 2025-02-16. Review status: criteria provided, single submitter. Criteria: ACMG Guidelines, 2015. Collection method: clinical testing. Allele origin: germline. Affected: yes.

PreventionGenetics, part of Exact Sciences
Classification: Likely benign for SLC25A24-related condition. Last evaluated: 2019-11-18. Review status: no assertion criteria provided. Collection method: clinical testing. Allele origin: germline. Not counted in ClinVar's aggregate classification.
Comment: This variant is classified as likely benign based on ACMG/AMP sequence variant interpretation guidelines (Richards et al. 2015 PMID: 25741868, with internal and published modifications).

NM_013386.5(SLC25A24):c.216T>C (p.Asp72=)

Gene: SLC25A24 (solute carrier family 25 member 24; minus strand). Cytogenetic location: 1p13.3.
Variant type: single nucleotide variant.
Coding change: c.216T>C on transcript NM_013386.5 (MANE Select); coding-DNA position 216, T replaced by C.
Protein change: p.Asp72=; no amino-acid change (aspartic acid 72 retained).
Molecular consequence: synonymous variant.
Genome position (GRCh38, 1-based): chr1:108,185,922, A>G on the plus strand (T>C on the coding strand, the complement: SLC25A24 is on the minus strand). VCF-style: chr1-108185922-A-G. GRCh37 (hg19) VCF-style: chr1-108728544-A-G.
Other names: c.159T>C, p.Asp53= (NM_213651.3); c.216T>C (NM_013386.3).
Identifiers: ClinVar variation 3046208 (VCV003046208.4), dbSNP rs146823029, ClinGen allele CA979366.